The following is an entry in ClinVar:

NM_006593.4(TBR1):c.1889G>A (p.Gly630Glu)

Gene: TBR1 (T-box brain transcription factor 1; plus strand). Cytogenetic location: 2q24.2.
Variant type: single nucleotide variant.
Coding change: c.1889G>A on transcript NM_006593.4 (MANE Select); coding-DNA position 1889, G replaced by A.
Protein change: p.Gly630Glu; replaces glycine 630 with glutamic acid.
Molecular consequence: missense variant.
Genome position (GRCh38, 1-based): chr2:161,424,067, G>A. VCF-style: chr2-161424067-G-A. GRCh37 (hg19) VCF-style: chr2-162280578-G-A.
Other names: short protein forms G630E.
Identifiers: ClinVar variation 1699887 (VCV001699887.2), dbSNP rs2105282841, ClinGen allele CA349214716.

ClinVar aggregate classification (germline): Uncertain significance (1 of 4 stars; one submission).

Submission:

GeneDx
Classification: Uncertain significance. Last evaluated: 2022-01-28. Review status: criteria provided, single submitter. Criteria: GeneDx Variant Classification Process June 2021. Collection method: clinical testing. Allele origin: germline. Affected: yes.
Comment: Not observed at significant frequency in large population cohorts (gnomAD); In silico analysis supports that this missense variant has a deleterious effect on protein structure/function; Has not been previously published as pathogenic or benign to our knowledge